The following is an entry in ClinVar:

NM_001148.6(ANK2):c.2987G>A (p.Arg996Gln)

Gene: ANK2 (ankyrin 2; plus strand). Cytogenetic location: 4q26.
Variant type: single nucleotide variant.
Coding change: c.2987G>A on transcript NM_001148.6 (MANE Select); coding-DNA position 2987, G replaced by A.
Protein change: p.Arg996Gln; replaces arginine 996 with glutamine.
Molecular consequence: missense variant.
Genome position (GRCh38, 1-based): chr4:113,330,332, G>A. VCF-style: chr4-113330332-G-A. GRCh37 (hg19) VCF-style: chr4-114251488-G-A.
Other names: c.2960G>A, p.Arg987Gln (NM_001127493.3); c.2999G>A, p.Arg1000Gln (NM_001354225.2); c.2987G>A, p.Arg996Gln (NM_001354228.2, NM_001354258.2, NM_020977.5); c.3065G>A, p.Arg1022Gln (NM_001354230.2, NM_001354237.2); c.3029G>A, p.Arg1010Gln (NM_001354231.2, NM_001354242.2); c.3023G>A, p.Arg1008Gln (NM_001354232.2); c.2984G>A, p.Arg995Gln (NM_001354235.2, NM_001354236.2, NM_001354246.2 and 1 more transcripts); c.2957G>A, p.Arg986Gln (NM_001354239.2, NM_001354252.2, NM_001354272.2); and 23 more; short protein forms R987Q, R996Q, R1022Q, R901Q, R929Q, R934Q, R995Q, R1008Q.
Identifiers: ClinVar variation 234979 (VCV000234979.13), dbSNP rs200124480, ClinGen allele CA3050752.

ClinVar aggregate classification (germline): Uncertain significance. Review status: criteria provided, multiple submitters, no conflicts (2 of 4 stars). 4 submissions from 4 submitters: Uncertain significance (4). Last evaluated 2025-06-16.

Conditions:
Cardiovascular phenotype. Identifiers: MedGen CN230736.
Long QT syndrome (LQTS). Identifiers: MedGen C0023976, MeSH D008133, MONDO:0002442. Disease mechanism: loss of function. Inheritance: Various modes of inheritance.
Cardiac arrhythmia, ankyrin-B-related. Also called: ANKYRIN-B SYNDROME. Identifiers: Orphanet 101016, Orphanet 768, MedGen C1970119, MONDO:0010958, OMIM 600919.

Allele frequency attached by ClinVar (database versions not stated): gnomAD 0.00002 and 0.00001; TOPMed 0.00001; 1000 Genomes Project 0.00020; ExAC 0.00002; 1000 Genomes Project 30x 0.00031; gnomAD exomes 0.00003.
gnomAD v4.1: 49 of 1,614,190 alleles (0.003%); highest among the groups gnomAD compares: East Asian, 0.013%; no homozygotes.

Submissions (4):

Ambry Genetics
Classification: Uncertain significance for Cardiovascular phenotype. Last evaluated: 2025-06-16. Review status: criteria provided, single submitter. Criteria: Ambry Variant Classification Scheme 2023. Collection method: clinical testing. Allele origin: germline.
Comment: The p.R996Q variant (also known as c.2987G>A), located in coding exon 27 of the ANK2 gene, results from a G to A substitution at nucleotide position 2987. The arginine at codon 996 is replaced by glutamine, an amino acid with highly similar properties. This variant was reported in individual(s) with features consistent with neurodevelopmental disorders (Stessman HA et al. Nat Genet, 2017 Apr;49:515-526). This amino acid position is highly conserved in available vertebrate species. In addition, the in silico prediction for this alteration is inconclusive. According to data from gnomAD, the frequency for this variant is above the maximum credible frequency for a cardiac disease-causing variant in this gene based on internally established thresholds (Karczewski et al. Nature. 2020 May;581(7809):434-443; Whiffin et al. Genet Med. 2017 10;19:1151-1158). Based on the supporting evidence, the association of this alteration with ANK2-related neurodevelopmental disorder is unknown; however, the association with ANK2-related arrhythmia is unlikely.

Labcorp Genetics (formerly Invitae), Labcorp
Classification: Uncertain significance for Long QT syndrome. Last evaluated: 2025-04-02. Review status: criteria provided, single submitter. Criteria: Invitae Variant Classification Sherloc (09022015). Collection method: clinical testing. Allele origin: germline.
Comment: This sequence change replaces arginine, which is basic and polar, with glutamine, which is neutral and polar, at codon 996 of the ANK2 protein (p.Arg996Gln). This variant is present in population databases (rs200124480, gnomAD 0.02%). This variant has not been reported in the literature in individuals affected with ANK2-related conditions. ClinVar contains an entry for this variant (Variation ID: 234979). Invitae Evidence Modeling of protein sequence and biophysical properties (such as structural, functional, and spatial information, amino acid conservation, physicochemical variation, residue mobility, and thermodynamic stability) indicates that this missense variant is not expected to disrupt ANK2 protein function with a negative predictive value of 80%. In summary, the available evidence is currently insufficient to determine the role of this variant in disease. Therefore, it has been classified as a Variant of Uncertain Significance.

Fulgent Genetics
Classification: Uncertain significance for Cardiac arrhythmia, ankyrin-B-related. Last evaluated: 2021-09-28. Review status: criteria provided, single submitter. Criteria: ACMG Guidelines, 2015. Collection method: clinical testing. Allele origin: unknown.

Stanford Center for Inherited Cardiovascular Disease, Stanford University
Classification: Uncertain significance. Last evaluated: 2013-04-26. Review status: criteria provided, single submitter. Criteria: ACMG Guidelines, 2015. Collection method: provider interpretation. Allele origin: germline.

Literature cited by the submitters: PubMed 28191889 (cited by Ambry Genetics).